The following is an entry in ClinVar:

NM_000535.7(PMS2):c.354-5C>G

Gene: PMS2 (PMS1 homolog 2, mismatch repair system component; minus strand). Cytogenetic location: 7p22.1.
Variant type: single nucleotide variant.
Coding change: c.354-5C>G on transcript NM_000535.7 (MANE Select); 5 bases into the intron before coding-DNA position 354, C replaced by G.
Molecular consequence: intron variant. On other transcripts: missense variant (1).
Genome position (GRCh38, 1-based): chr7:6,002,641, G>C on the plus strand (C>G on the coding strand, the complement: PMS2 is on the minus strand). VCF-style: chr7-6002641-G-C. GRCh37 (hg19) VCF-style: chr7-6042272-G-C.
Other names: IVS4-5C>G; c.40C>G, p.His14Asp (NM_001322015.2); c.36-5C>G (NM_001322008.2, NM_001322007.2); c.-52-5C>G (NM_001322010.2, NM_001322004.2, NM_001322013.2 and 3 more transcripts); c.-531-5C>G (NM_001322012.2, NM_001322011.2); c.354-5C>G (NM_001322006.2, NM_001322014.2); short protein forms H14D.
Identifiers: ClinVar variation 127790 (VCV000127790.31), dbSNP rs200591010, ClinGen allele CA011959.

ClinVar aggregate classification (germline): Conflicting classifications of pathogenicity. Review status: criteria provided, conflicting classifications (1 of 4 stars). 9 submissions from 9 submitters: Uncertain significance (5); Likely benign (4). Last evaluated 2026-01-05.

Conditions:
Hereditary nonpolyposis colorectal neoplasms. Identifiers: MedGen C0009405, MeSH D003123.
Breast and/or ovarian cancer. Identifiers: MedGen CN221562.
Hereditary cancer-predisposing syndrome. Also called: Hereditary neoplastic syndrome; Neoplastic Syndromes, Hereditary; Hereditary Cancer Syndrome; Tumor predisposition. Identifiers: Orphanet 140162, MedGen C0027672, MeSH D009386, MONDO:0015356.
Lynch syndrome. Identifiers: Orphanet 144, MedGen C4552100, MONDO:0005835. Disease mechanism: loss of function.

Allele frequency attached by ClinVar (database versions not stated): gnomAD 0.00001; gnomAD exomes 0.00002; TOPMed 0.00002; ExAC 0.00003.
gnomAD v4.1: 37 of 1,609,404 alleles (0.0023%); highest among the groups gnomAD compares: Non-Finnish European, 0.0031%; no homozygotes.

Submissions (9):

Labcorp Genetics (formerly Invitae), Labcorp
Classification: Likely benign for Hereditary nonpolyposis colorectal neoplasms. Last evaluated: 2026-01-05. Review status: criteria provided, single submitter. Criteria: Invitae Variant Classification Sherloc (09022015). Collection method: clinical testing. Allele origin: germline.

Women's Health and Genetics/Laboratory Corporation of America, LabCorp
Classification: Likely benign. Last evaluated: 2025-06-24. Review status: criteria provided, single submitter. Criteria: LabCorp Variant Classification Summary - May 2015. Collection method: clinical testing. Allele origin: germline.
Comment: Variant summary: PMS2 c.354-5C>G alters a nucleotide located at a position not widely known to affect splicing. Several computational tools predict a significant impact on normal splicing: Two predict the variant weakens a cryptic 3' acceptor site. One predicts the variant abolishes a 3' acceptor site. However, functional studies using patient RNA show that across at least 2 individuals, splicing was not impacted by this variant (Labcorp Genetics (formerly Invitae)). The variant allele was found at a frequency of 2e-05 in 251140 control chromosomes. The available data on variant occurrences in the general population are insufficient to allow any conclusion about variant significance. c.354-5C>G has been observed in an individual affected with Breast Cancer (Bhai_2021) and an individual with clinical features of colorectal cancer without strong evidence for causality (Yurgelun_2017). These report(s) do not provide unequivocal conclusions about association of the variant with Hereditary Nonpolyposis Colorectal Cancer. To our knowledge, no experimental evidence demonstrating an impact on protein function has been reported. The following publications have been ascertained in the context of this evaluation (PMID: 34326862, 28135145). ClinVar contains an entry for this variant (Variation ID: 127790). Based on the evidence outlined above, the variant was classified as likely benign.

Quest Diagnostics Nichols Institute San Juan Capistrano
Classification: Uncertain significance. Last evaluated: 2022-09-29. Review status: criteria provided, single submitter. Criteria: Quest Diagnostics criteria. Collection method: clinical testing. Allele origin: unknown.
Comment: The frequency of this variant in the general population, 0.000044 (5/113424 chromosomes), is uninformative in assessment of its pathogenicity. In the published literature, it has been reported in an individual with colorectal cancer (PMID: 28135145 (2017)). Analysis of this variant using software algorithms for the prediction of the effect of nucleotide changes on splicing yielded predictions that this variant may affect proper PMS2 mRNA splicing . Based on the available information, we are unable to determine the clinical significance of this variant.

Sema4
Classification: Uncertain significance for Hereditary cancer-predisposing syndrome. Last evaluated: 2021-10-21. Review status: criteria provided, single submitter. Criteria: Sema4 Curation Guidelines. Collection method: curation. Allele origin: germline.
Comment: The PMS2 c.354-5C>G variant has been reported in 1 individual with colorectal cancer (PMID 28135145). This variant was observed in 5/113424 chromosomes in Non-Finnish European population according to the Genome Aggregation Database (PMID: 32461654). This variant has been reported in ClinVar (Variation ID 127790). In silico tools suggest that this variant may impact splicing though these predictions have not been confirmed by functional studies. The overall evidence is insufficient to meet ACMG/AMP criteria for classifying it as benign or pathogenic. In summary, the clinical significance of this variant is currently uncertain.

GeneDx
Classification: Uncertain significance. Last evaluated: 2021-07-09. Review status: criteria provided, single submitter. Criteria: GeneDx Variant Classification Process June 2021. Collection method: clinical testing. Allele origin: germline. Affected: yes.
Comment: In-silico analysis, which includes splice predictors and evolutionary conservation, is inconclusive as to whether the variant alters gene splicing. In the absence of RNA/functional studies, the actual effect of this sequence change is unknown.; Observed in an individual with colorectal cancer (Yurgelun 2017); This variant is associated with the following publications: (PMID: 27535533, 28135145)

Ambry Genetics
Classification: Likely benign for Hereditary cancer-predisposing syndrome. Last evaluated: 2020-01-27. Review status: criteria provided, single submitter. Criteria: Ambry Variant Classification Scheme 2023. Collection method: clinical testing. Allele origin: germline.

Department of Pathology and Laboratory Medicine, Sinai Health System
Classification: Uncertain significance for Lynch syndrome. Last evaluated: 2019-10-07. Review status: criteria provided, single submitter. Criteria: ACMG Guidelines, 2015. Collection method: clinical testing. Allele origin: germline. Affected: yes.

CHEO Genetics Diagnostic Laboratory, Children's Hospital of Eastern Ontario
Classification: Uncertain significance for Breast and/or ovarian cancer. Last evaluated: 2019-08-21. Review status: criteria provided, single submitter. Criteria: ACMG Guidelines, 2015. Collection method: clinical testing. Allele origin: germline.

Color Diagnostics, LLC DBA Color Health
Classification: Likely benign for Hereditary cancer-predisposing syndrome. Last evaluated: 2015-07-20. Review status: criteria provided, single submitter. Criteria: ACMG Guidelines, 2015. Collection method: clinical testing. Allele origin: germline.

Literature cited by the submitters: PubMed 28135145 (cited by 5 submitters); PubMed 34326862 (cited by Women's Health and Genetics/Laboratory Corporation of America, LabCorp).